The following is an entry in ClinVar:

NM_005845.5(ABCC4):c.2596A>G (p.Ile866Val)

Gene: ABCC4 (ATP binding cassette subfamily C member 4 (PEL blood group); minus strand). Cytogenetic location: 13q32.1.
Variant type: single nucleotide variant.
Coding change: c.2596A>G on transcript NM_005845.5 (MANE Select); coding-DNA position 2596, A replaced by G.
Protein change: p.Ile866Val; replaces isoleucine 866 with valine.
Molecular consequence: missense variant.
Genome position (GRCh38, 1-based): chr13:95,083,230, T>C on the plus strand (A>G on the coding strand, the complement: ABCC4 is on the minus strand). VCF-style: chr13-95083230-T-C. GRCh37 (hg19) VCF-style: chr13-95735484-T-C.
Other names: p.Ile866Val; c.2455A>G, p.Ile819Val (NM_001301829.2); short protein forms I819V, I866V.
Identifiers: ClinVar variation 718083 (VCV000718083.5), dbSNP rs139970608, ClinGen allele CA7019149.
Genomic context (GRCh38, chr13:95,083,230, plus strand): 5'-ACGTTTCCAAAAAATATCGCCGAAGAAAAATGAAAATGATTCCAAGGGGAACCAAGGGTA[T>C]TGCGATCCAAGGAATCACGGCCACAGCCACAGAGACCACACCAACCACTTGTAGCAATGT-3'
Protein context (NP_005836.2, residues 856-876): VAVAVIPWIA[Ile866Val]PLVPLGIIFI

ClinVar aggregate classification (germline): Benign. Review status: criteria provided, multiple submitters, no conflicts (2 of 4 stars). 3 submissions from 3 submitters: Benign (3). Last evaluated 2024-12-24.

Allele frequency attached by ClinVar (database versions not stated): 1000 Genomes Project 30x 0.00172; gnomAD 0.00372 and 0.00396; ESP Exome Variant Server 0.00477; 1000 Genomes Project 0.00140; ExAC 0.00464; TOPMed 0.00310; gnomAD exomes 0.00410 and 0.00511.
gnomAD v4.1: 7,890 of 1,614,080 alleles (0.49%); highest among the groups gnomAD compares: Non-Finnish European, 0.6%; 35 homozygotes.

Submissions (3):

Mayo Clinic Laboratories, Mayo Clinic
Classification: Benign. Last evaluated: 2024-12-24. Review status: criteria provided, single submitter. Criteria: ACMG Guidelines, 2015. Collection method: clinical testing. Allele origin: germline. Observed: 5 variant alleles.
Comment: BS1, BS2, PM1_supporting

Labcorp Genetics (formerly Invitae), Labcorp
Classification: Benign. Last evaluated: 2018-07-20. Review status: criteria provided, single submitter. Criteria: Invitae Variant Classification Sherloc (09022015). Collection method: clinical testing. Allele origin: germline.

Breakthrough Genomics
Classification: Benign. Review status: criteria provided, single submitter. Criteria: ACMG Guidelines, 2015. Collection method: not provided. Allele origin: germline. Inheritance: Unknown mechanism. Affected: yes.